The following is an entry in ClinVar:

ClinVar aggregate classification (germline): Conflicting classifications of pathogenicity. Review status: criteria provided, conflicting classifications (1 of 4 stars). 3 submissions from 3 submitters: Likely pathogenic (1); Uncertain significance (2). Last evaluated 2022-06-14.

Conditions:
Neuropathy, hereditary motor and sensory, type 6B (HMSN6B). Also called: NEUROPATHY, HEREDITARY MOTOR AND SENSORY, TYPE VIB, WITH OPTIC ATROPHY; HMSN VIB; CHARCOT-MARIE-TOOTH DISEASE, TYPE 6B; Neuropathy, hereditary motor and sensory, type VIB. Identifiers: MedGen C4225302, MONDO:0014671, OMIM 616505.

Allele frequency attached by ClinVar (database versions not stated): gnomAD exomes below 0.00001; TOPMed below 0.00001; ExAC 0.00001.
gnomAD v4.1: 3 of 1,613,780 alleles (0.00019%); highest among the groups gnomAD compares: Admixed American, 0.0017%; no homozygotes.

Submissions (3):

Blueprint Genetics
Classification: Uncertain significance. Last evaluated: 2022-06-14. Review status: criteria provided, single submitter. Criteria: ACMG Guidelines, 2015. Collection method: clinical testing. Allele origin: germline.

Labcorp Genetics (formerly Invitae), Labcorp
Classification: Uncertain significance for Neuropathy, hereditary motor and sensory, type 6B. Last evaluated: 2021-08-30. Review status: criteria provided, single submitter. Criteria: Invitae Variant Classification Sherloc (09022015). Collection method: clinical testing. Allele origin: germline.
Comment: This sequence change replaces threonine with methionine at codon 268 of the SLC25A46 protein (p.Thr268Met). The threonine residue is highly conserved and there is a moderate physicochemical difference between threonine and methionine. This variant is present in population databases (rs751900293, ExAC 0.009%). This variant has not been reported in the literature in individuals affected with SLC25A46-related conditions. ClinVar contains an entry for this variant (Variation ID: 422421). Algorithms developed to predict the effect of missense changes on protein structure and function are either unavailable or do not agree on the potential impact of this missense change (SIFT: "Deleterious"; PolyPhen-2: "Probably Damaging"; Align-GVGD: "Class C0"). In summary, the available evidence is currently insufficient to determine the role of this variant in disease. Therefore, it has been classified as a Variant of Uncertain Significance.

GeneDx
Classification: Likely pathogenic. Last evaluated: 2016-10-19. Review status: criteria provided, single submitter. Criteria: GeneDx Variant Classification (06012015). Collection method: clinical testing. Allele origin: germline. Affected: yes.
Comment: The T268M variant in the SLC25A46 gene has not been reported previously as a pathogenic variant, nor as a benign variant, to our knowledge. The T268M variant was not observed in approximately 6500 individuals of European and African American ancestry in the NHLBI Exome Sequencing Project, indicating it is not a common benign variant in these populations. The T268M variant is a non-conservative amino acid substitution, which is likely to impact secondary protein structure as these residues differ in polarity, charge, size and/or other properties. This substitution occurs at a position that is conserved in mammals, and in silico analysis predicts this variant is probably damaging to the protein structure/function. The T268M variant is a strong candidate for a pathogenic variant, however the possibility it may be a rare benign variant cannot be excluded.

NM_138773.4(SLC25A46):c.803C>T (p.Thr268Met)

Gene: SLC25A46 (solute carrier family 25 member 46; plus strand). Cytogenetic location: 5q22.1.
Variant type: single nucleotide variant.
Coding change: c.803C>T on transcript NM_138773.4 (MANE Select); coding-DNA position 803, C replaced by T.
Protein change: p.Thr268Met; replaces threonine 268 with methionine.
Molecular consequence: missense variant. On other transcripts: non-coding transcript variant (1), intron variant (1).
Genome position (GRCh38, 1-based): chr5:110,761,328, C>T. VCF-style: chr5-110761328-C-T. GRCh37 (hg19) VCF-style: chr5-110097028-C-T.
Other names: c.530C>T, p.Thr177Met (NM_001303250.3); c.679-119C>T (NM_001303249.3); short protein forms T268M, T177M.
Identifiers: ClinVar variation 422421 (VCV000422421.9), dbSNP rs751900293, ClinGen allele CA3364749.